The following is an entry in ClinVar:

NM_021930.6(RINT1):c.2353A>G (p.Thr785Ala)

Genes: EFCAB10 (EF-hand calcium binding domain 10; minus strand), RINT1 (RAD50 interactor 1; plus strand). Cytogenetic location: 7q22.3.
Variant type: single nucleotide variant.
Coding change: c.2353A>G on transcript NM_021930.6 (MANE Select); coding-DNA position 2353, A replaced by G.
Protein change: p.Thr785Ala; replaces threonine 785 with alanine.
Molecular consequence: missense variant. On other transcripts: 3 prime UTR variant (2), non-coding transcript variant (1), intron variant (3).
Genome position (GRCh38, 1-based): chr7:105,567,285, A>G. VCF-style: chr7-105567285-A-G. GRCh37 (hg19) VCF-style: chr7-105207732-A-G.
Other names: c.*169T>C (NM_001355527.2, NM_001355529.2); c.2119A>G, p.Thr707Ala (NM_001346599.2); c.1330A>G, p.Thr444Ala (NM_001346600.2, NM_001346603.2); c.1429A>G, p.Thr477Ala (NM_001346601.2); c.360-1838T>C (NM_001355531.2); c.383+182T>C (NM_001355526.2, NM_001355530.2); short protein forms T477A, T444A, T707A, T785A.
Identifiers: ClinVar variation 1790045 (VCV001790045.2), dbSNP rs61998192, ClinGen allele CA368815702.
Genomic context (GRCh38, chr7:105,567,285, plus strand): 5'-AATGAAGTTGGAATTTACAAACTGGCTCAACAAGATGTTGAGATTCTACTTAATTTGAGG[A>G]CAAATTGGCCTAATACTGGAAAATAATGTCTTTCAGAAAAAGGTTTCTTTGGTTTTTGTT-3'
Protein context (NP_068749.3, residues 775-792): QDVEILLNLR[Thr785Ala]NWPNTGK

ClinVar aggregate classification (germline): Uncertain significance (1 of 4 stars; one submission).

Submission:

Ambry Genetics
Classification: Uncertain significance. Last evaluated: 2022-10-12. Review status: criteria provided, single submitter. Criteria: Ambry Variant Classification Scheme 2023. Collection method: clinical testing. Allele origin: germline.
Comment: The p.T785A variant (also known as c.2353A>G), located in coding exon 15 of the RINT1 gene, results from an A to G substitution at nucleotide position 2353. The threonine at codon 785 is replaced by alanine, an amino acid with similar properties. This amino acid position is conserved. In addition, this alteration is predicted to be tolerated by in silico analysis. Since supporting evidence is limited at this time, the clinical significance of this alteration remains unclear.